The following is an entry in ClinVar:

ClinVar aggregate classification (germline): Uncertain significance (1 of 4 stars; one submission).

Conditions:
Inborn genetic diseases. Identifiers: MedGen C0950123, MeSH D030342.

Allele frequency attached by ClinVar (database versions not stated): gnomAD exomes below 0.00001.
gnomAD v4.1: 2 of 1,613,896 alleles (0.00012%); highest among the groups gnomAD compares: Non-Finnish European, 0.00017%; no homozygotes.

Submission:

Ambry Genetics
Classification: Uncertain significance for Inborn genetic diseases. Last evaluated: 2022-12-26. Review status: criteria provided, single submitter. Criteria: Ambry Variant Classification Scheme 2023. Collection method: clinical testing. Allele origin: germline.
Comment: The p.Q301H variant (also known as c.903G>T), located in coding exon 8 of the LRRK2 gene, results from a G to T substitution at nucleotide position 903. The glutamine at codon 301 is replaced by histidine, an amino acid with highly similar properties. This amino acid position is conserved. In addition, this alteration is predicted to be tolerated by in silico analysis. Since supporting evidence is limited at this time, the clinical significance of this alteration remains unclear.

NM_198578.4(LRRK2):c.903G>T (p.Gln301His)

Gene: LRRK2 (leucine rich repeat kinase 2; plus strand). Cytogenetic location: 12q12.
Variant type: single nucleotide variant.
Coding change: c.903G>T on transcript NM_198578.4 (MANE Select); coding-DNA position 903, G replaced by T.
Protein change: p.Gln301His; replaces glutamine 301 with histidine.
Molecular consequence: missense variant.
Genome position (GRCh38, 1-based): chr12:40,249,890, G>T. VCF-style: chr12-40249890-G-T. GRCh37 (hg19) VCF-style: chr12-40643692-G-T.
Other names: short protein forms Q301H.
Identifiers: ClinVar variation 2447253 (VCV002447253.2), dbSNP rs2499492961, ClinGen allele CA384407120.